The following is an entry in ClinVar:

NM_004415.4(DSP):c.3743A>C (p.Asp1248Ala)

Gene: DSP (desmoplakin; plus strand). Cytogenetic location: 6p24.3.
Variant type: single nucleotide variant.
Coding change: c.3743A>C on transcript NM_004415.4 (MANE Select); coding-DNA position 3743, A replaced by C.
Protein change: p.Asp1248Ala; replaces aspartic acid 1248 with alanine.
Molecular consequence: missense variant. On other transcripts: intron variant (1).
Genome position (GRCh38, 1-based): chr6:7,579,933, A>C. VCF-style: chr6-7579933-A-C. GRCh37 (hg19) VCF-style: chr6-7580166-A-C.
Other names: c.3743A>C, p.Asp1248Ala (NM_001319034.2); c.3582+161A>C (NM_001008844.3); short protein forms D1248A.
Identifiers: ClinVar variation 1315470 (VCV001315470.7), dbSNP rs1276847644, ClinGen allele CA362684759.

ClinVar aggregate classification (germline): Conflicting classifications of pathogenicity. Review status: criteria provided, conflicting classifications (1 of 4 stars). 3 submissions from 3 submitters: Uncertain significance (2); Likely benign (1). Last evaluated 2023-05-15.

Conditions:
Cardiovascular phenotype. Identifiers: MedGen CN230736.
Arrhythmogenic cardiomyopathy with wooly hair and keratoderma. Also called: Carvajal syndrome; Arrhythmogenic cardiomyopathy with woolly hair and keratoderma; PALMOPLANTAR KERATODERMA WITH LEFT VENTRICULAR CARDIOMYOPATHY AND WOOLLY HAIR; Dilated cardiomyopathy with woolly hair and keratoderma. Identifiers: Orphanet 65282, MedGen C1854063, MONDO:0011581, OMIM 605676.
Arrhythmogenic right ventricular dysplasia 8 (ARVD8). Also called: Arrhythmogenic Right Ventricular Dysplasia/Cardiomyopathy 8; ARRHYTHMOGENIC RIGHT VENTRICULAR DYSPLASIA, FAMILIAL, 8; ARRHYTHMOGENIC RIGHT VENTRICULAR CARDIOMYOPATHY 8. Identifiers: MedGen C1843896, MONDO:0011831, OMIM 607450.

Allele frequency attached by ClinVar (database versions not stated): gnomAD exomes below 0.00001; TOPMed 0.00002.
gnomAD v4.1: 2 of 1,614,194 alleles (0.00012%); highest among the groups gnomAD compares: African/African-American, 0.0027%; no homozygotes.

Submissions (3):

Ambry Genetics
Classification: Uncertain significance for Cardiovascular phenotype. Last evaluated: 2023-05-15. Review status: criteria provided, single submitter. Criteria: Ambry Variant Classification Scheme 2023. Collection method: clinical testing. Allele origin: germline.
Comment: The p.D1248A variant (also known as c.3743A>C), located in coding exon 23 of the DSP gene, results from an A to C substitution at nucleotide position 3743. The aspartic acid at codon 1248 is replaced by alanine, an amino acid with dissimilar properties. This amino acid position is conserved. In addition, the in silico prediction for this alteration is inconclusive. Since supporting evidence is limited at this time, the clinical significance of this alteration remains unclear.

Labcorp Genetics (formerly Invitae), Labcorp
Classification: Likely benign for Arrhythmogenic cardiomyopathy with wooly hair and keratoderma; Arrhythmogenic right ventricular dysplasia 8. Last evaluated: 2023-04-21. Review status: criteria provided, single submitter. Criteria: Invitae Variant Classification Sherloc (09022015). Collection method: clinical testing. Allele origin: germline.

GeneDx
Classification: Uncertain significance. Last evaluated: 2020-02-10. Review status: criteria provided, single submitter. Criteria: GeneDx Variant Classification Process June 2021. Collection method: clinical testing. Allele origin: germline. Affected: yes.
Comment: Has not been previously published as pathogenic or benign to our knowledge; Not observed at a significant frequency in large population cohorts (Lek et al., 2016); In silico analysis supports that this missense variant does not alter protein structure/function